The following is an entry in ClinVar:

NM_001205293.3(CACNA1E):c.265C>T (p.Pro89Ser)

Gene: CACNA1E (calcium voltage-gated channel subunit alpha1 E; plus strand). Cytogenetic location: 1q25.3.
Variant type: single nucleotide variant.
Coding change: c.265C>T on transcript NM_001205293.3 (MANE Select); coding-DNA position 265, C replaced by T.
Protein change: p.Pro89Ser; replaces proline 89 with serine.
Molecular consequence: missense variant.
Genome position (GRCh38, 1-based): chr1:181,484,009, C>T. VCF-style: chr1-181484009-C-T. GRCh37 (hg19) VCF-style: chr1-181453145-C-T.
Other names: c.265C>T, p.Pro89Ser (NM_000721.4, NM_001205294.2); short protein forms P89S.
Identifiers: ClinVar variation 1306062 (VCV001306062.5), dbSNP rs1663550401, ClinGen allele CA343844702.

ClinVar aggregate classification (germline): Conflicting classifications of pathogenicity. Review status: criteria provided, conflicting classifications (1 of 4 stars). 2 submissions from 2 submitters: Uncertain significance (1); Likely benign (1). Last evaluated 2024-05-20.

Allele frequency attached by ClinVar (database versions not stated): gnomAD exomes below 0.00001.
gnomAD v4.1: 1 of 1,612,802 alleles (0.000062%); highest among the groups gnomAD compares: East Asian, 0.0022%; no homozygotes.

Submissions (2):

Labcorp Genetics (formerly Invitae), Labcorp
Classification: Likely benign. Last evaluated: 2024-05-20. Review status: criteria provided, single submitter. Criteria: Invitae Variant Classification Sherloc (09022015). Collection method: clinical testing. Allele origin: germline.

GeneDx
Classification: Uncertain significance. Last evaluated: 2019-05-20. Review status: criteria provided, single submitter. Criteria: GeneDx Variant Classification Process June 2021. Collection method: clinical testing. Allele origin: germline. Affected: yes.
Comment: Not observed in large population cohorts (Lek et al., 2016); In silico analysis, which includes protein predictors and evolutionary conservation, supports a deleterious effect; Has not been previously published as pathogenic or benign to our knowledge; In-silico analysis, which includes splice predictors and evolutionary conservation, is inconclusive as to whether the variant alters gene splicing. In the absence of RNA/functional studies, the actual effect of this sequence change is unknown.